The following is an entry in ClinVar:

ClinVar aggregate classification (germline): Uncertain significance. Review status: criteria provided, multiple submitters, no conflicts (2 of 4 stars). 2 submissions from 2 submitters: Uncertain significance (2). Last evaluated 2026-08-03.

Conditions:
Gastrointestinal stromal tumor. Also called: Gastrointestinal stromal tumor, somatic; Gastrointestinal stroma tumor. Identifiers: Orphanet 44890, MedGen C0238198, MeSH D046152, MONDO:0011719, OMIM 606764, HP:0100723.
Hereditary cancer-predisposing syndrome. Also called: Tumor predisposition; Hereditary neoplastic syndrome; Hereditary Cancer Syndrome; Neoplastic Syndromes, Hereditary. Identifiers: Orphanet 140162, MedGen C0027672, MeSH D009386, MONDO:0015356.

Submissions (2):

Ambry Genetics
Classification: Uncertain significance for Hereditary cancer-predisposing syndrome. Last evaluated: 2026-08-03. Review status: criteria provided, single submitter. Criteria: Ambry Variant Classification Scheme 2023. Collection method: clinical testing. Allele origin: germline.
Comment: The c.2880G>A variant (also known as p.K960K) is located in coding exon 20 of the PDGFRA gene. This variant results from a G to A substitution at nucleotide position 2880. This nucleotide substitution does not change the amino acid at codon 960. However, this change occurs in the last base pair of coding exon 20, which makes it likely to have some effect on normal mRNA splicing. This nucleotide position is well conserved in available vertebrate species. In silico splice site analysis for this alteration is inconclusive. Based on the available evidence, the clinical significance of this variant remains unclear.

Labcorp Genetics (formerly Invitae), Labcorp
Classification: Uncertain significance for Gastrointestinal stromal tumor. Last evaluated: 2024-03-11. Review status: criteria provided, single submitter. Criteria: Invitae Variant Classification Sherloc (09022015). Collection method: clinical testing. Allele origin: germline.
Comment: This sequence change affects codon 960 of the PDGFRA mRNA. It is a 'silent' change, meaning that it does not change the encoded amino acid sequence of the PDGFRA protein. This variant also falls at the last nucleotide of exon 21, which is part of the consensus splice site for this exon. This variant is not present in population databases (gnomAD no frequency). This variant has not been reported in the literature in individuals affected with PDGFRA-related conditions. Variants that disrupt the consensus splice site are a relatively common cause of aberrant splicing (PMID: 17576681, 9536098). Algorithms developed to predict the effect of sequence changes on RNA splicing suggest that this variant may disrupt the consensus splice site. In summary, the available evidence is currently insufficient to determine the role of this variant in disease. Therefore, it has been classified as a Variant of Uncertain Significance.

Literature cited by the submitters: PubMed 17576681 (cited by Labcorp Genetics (formerly Invitae), Labcorp); PubMed 9536098 (cited by Labcorp Genetics (formerly Invitae), Labcorp).

NM_006206.6(PDGFRA):c.2880G>A (p.Lys960=)

Gene: PDGFRA (platelet derived growth factor receptor alpha; plus strand). Cytogenetic location: 4q12.
Variant type: single nucleotide variant.
Coding change: c.2880G>A on transcript NM_006206.6 (MANE Select); coding-DNA position 2880, G replaced by A.
Protein change: p.Lys960=; no amino-acid change (lysine 960 retained).
Molecular consequence: synonymous variant.
Genome position (GRCh38, 1-based): chr4:54,289,114, G>A. VCF-style: chr4-54289114-G-A. GRCh37 (hg19) VCF-style: chr4-55155281-G-A.
Other names: c.2955G>A, p.Lys985= (NM_001347828.2); c.2880G>A, p.Lys960= (NM_001347829.2); c.2919G>A, p.Lys973= (NM_001347830.2).
Identifiers: ClinVar variation 3645368 (VCV003645368.3).
Genomic context (GRCh38, chr4:54,289,114, plus strand): 5'-ACCCTCCTTTTACCACCTGAGTGAGATTGTGGAGAATCTGCTGCCTGGACAATATAAAAA[G>A]GTGTGTTTGGATCTGTGGGTGGAAAGGTCTGGATAAAGCTGGAAGTTATACCAGTGAGCT-3'
Protein context (NP_006197.1, residues 950-970): VENLLPGQYK[Lys960=]SYEKIHLDFL